The following is an entry in ClinVar:

ClinVar aggregate classification (germline): Conflicting classifications of pathogenicity. Review status: criteria provided, conflicting classifications (1 of 4 stars). 3 submissions from 3 submitters: Uncertain significance (2); Likely benign (1). Last evaluated 2026-01-01.

Conditions:
Early-infantile DEE. Also called: Early infantile epileptic encephalopathy; Ohtahara syndrome; Early infantile epileptic encephalopathy with suppression bursts. Identifiers: Orphanet 1934, MedGen C0393706, MONDO:0800491.
Cognitive impairment with or without cerebellar ataxia (CIAT). Identifiers: MedGen C3280415, MONDO:0013680, OMIM 614306.

Allele frequency attached by ClinVar (database versions not stated): gnomAD exomes below 0.00001; ExAC 0.00001; TOPMed 0.00002; gnomAD 0.00003.
gnomAD v4.1: 57 of 1,613,740 alleles (0.0035%); highest among the groups gnomAD compares: Non-Finnish European, 0.0046%; no homozygotes.

Submissions (3):

CeGaT Center for Human Genetics Tuebingen
Classification: Likely benign. Last evaluated: 2026-01-01. Review status: criteria provided, single submitter. Criteria: CeGaT Center For Human Genetics Tuebingen Variant Classification Criteria Version 2. Collection method: clinical testing. Allele origin: germline. Affected: yes. Observed: 1 variant allele.
Comment: SCN8A: PP2, BS2

Labcorp Genetics (formerly Invitae), Labcorp
Classification: Uncertain significance for Early-infantile DEE. Last evaluated: 2025-10-10. Review status: criteria provided, single submitter. Criteria: Invitae Variant Classification Sherloc (09022015). Collection method: clinical testing. Allele origin: germline.
Comment: This sequence change replaces arginine, which is basic and polar, with tryptophan, which is neutral and slightly polar, at codon 1907 of the SCN8A protein (p.Arg1907Trp). This variant is present in population databases (rs760444517, gnomAD 0.002%). This missense change has been observed in individuals with clinical features of SCN8A-related conditions (PMID: 33057194; internal data). ClinVar contains an entry for this variant (Variation ID: 1064572). Invitae Evidence Modeling of protein sequence and biophysical properties (such as structural, functional, and spatial information, amino acid conservation, physicochemical variation, residue mobility, and thermodynamic stability) indicates that this missense variant is not expected to disrupt SCN8A protein function with a negative predictive value of 95%. In summary, the available evidence is currently insufficient to determine the role of this variant in disease. Therefore, it has been classified as a Variant of Uncertain Significance.

UNC Molecular Genetics  Laboratory, University of North Carolina at Chapel Hill
Classification: Uncertain significance for Cognitive impairment with or without cerebellar ataxia. Last evaluated: 2021-01-01. Review status: criteria provided, single submitter. Criteria: ACMG Guidelines, 2015. Collection method: research. Allele origin: germline. Observed: 1 variant allele. Study: CSER_NCGENES.
Comment: The SCN8A c.5719C>T p.Arg1907Trp missense variant results in a single amino acid substitution from an arginine to a tryptophan. To our knowledge, this variant has not been previously reported in affected individuals. This is a rare variant in the human population and is observed in the Genome Aggregation Database (gnomAD) with a minor allele frequency of 0.0004% (1 allele in 249,240 total alleles) in all populations. Computational prediction tools and conservation analysis suggest that this variant may be damaging to protein function. This variant is classified as a variant of uncertain significance.

Literature cited by the submitters: PubMed 33057194 (cited by Labcorp Genetics (formerly Invitae), Labcorp).

NM_001330260.2(SCN8A):c.5719C>T (p.Arg1907Trp)

Gene: SCN8A (sodium voltage-gated channel alpha subunit 8; plus strand). Cytogenetic location: 12q13.13.
Variant type: single nucleotide variant.
Coding change: c.5719C>T on transcript NM_001330260.2 (MANE Select); coding-DNA position 5719, C replaced by T.
Protein change: p.Arg1907Trp; replaces arginine 1907 with tryptophan.
Molecular consequence: missense variant.
Genome position (GRCh38, 1-based): chr12:51,807,205, C>T. VCF-style: chr12-51807205-C-T. GRCh37 (hg19) VCF-style: chr12-52200989-C-T.
Other names: c.5596C>T, p.Arg1866Trp (NM_001177984.3, NM_001369788.1); c.5719C>T, p.Arg1907Trp (NM_014191.4); short protein forms R1866W, R1907W.
Identifiers: ClinVar variation 1064572 (VCV001064572.42), dbSNP rs760444517, ClinGen allele CA6571943.